The following is an entry in ClinVar:

NM_016953.4(PDE11A):c.1072-3C>T

Gene: PDE11A (phosphodiesterase 11A; minus strand). Cytogenetic location: 2q31.2.
Variant type: single nucleotide variant.
Coding change: c.1072-3C>T on transcript NM_016953.4 (MANE Select); 3 bases into the intron before coding-DNA position 1072, C replaced by T.
Molecular consequence: intron variant.
Genome position (GRCh38, 1-based): chr2:177,905,190, G>A on the plus strand (C>T on the coding strand, the complement: PDE11A is on the minus strand). VCF-style: chr2-177905190-G-A. GRCh37 (hg19) VCF-style: chr2-178769917-G-A.
Other names: NC_000002.11:g.178769917G>A; c.322-3C>T (NM_001077197.2); c.-3-3C>T (NM_001077358.2).
Identifiers: ClinVar variation 3060433 (VCV003060433.4), dbSNP rs13012088, ClinGen allele CA1982117.
Genomic context (GRCh38, chr2:177,905,190, plus strand): 5'-CAAAGAGCTGAGCGTTAGATATGGCGATTCCACAAAATGGAAGATACATCTGCATAACCT[G>A]GGACAAAGAGAGTAGTAAGAACATTAAAACATAAGAACATTGATACATCCCTTGTAGACT-3'

ClinVar aggregate classification (germline): Benign. Review status: criteria provided, single submitter (1 of 4 stars). 2 submissions from 2 submitters: Benign (1). 1 of the submissions does not count toward it. Last evaluated 2024-11-26.

Conditions:
PDE11A-related disorder. Also called: PDE11A-related condition.

Allele frequency attached by ClinVar (database versions not stated): 1000 Genomes Project 30x 0.05762; 1000 Genomes Project 0.05990; TOPMed 0.08941; gnomAD 0.10559; ESP Exome Variant Server 0.11310; ExAC 0.11915; gnomAD exomes 0.13454.
gnomAD v4.1: 201,827 of 1,542,320 alleles (13%); highest among the groups gnomAD compares: Non-Finnish European, 15%; 14,855 homozygotes.

Submissions (20):

Blueprint Genetics
Classification: Benign. Last evaluated: 2024-11-26. Review status: criteria provided, single submitter. Criteria: ACMG Guidelines, 2015. Collection method: clinical testing. Allele origin: germline.

PreventionGenetics, part of Exact Sciences
Classification: Benign for PDE11A-related condition. Last evaluated: 2019-10-17. Review status: no assertion criteria provided. Collection method: clinical testing. Allele origin: germline. Not counted in ClinVar's aggregate classification.
Comment: This variant is classified as benign based on ACMG/AMP sequence variant interpretation guidelines (Richards et al. 2015 PMID: 25741868, with internal and published modifications).

Dr. Peter K. Rogan Lab, Western University
No classification provided (evidence only). Condition: Malignant lymphoma, large B-cell, diffuse. Review status: no classification provided. Collection method: in vitro. Allele origin: not applicable. Functional consequence: retained intron. Not counted in ClinVar's aggregate classification.

Dr. Peter K. Rogan Lab, Western University
No classification provided (evidence only). Condition: Nonpapillary renal cell carcinoma. Review status: no classification provided. Collection method: in vitro. Allele origin: not applicable. Functional consequence: retained intron. Not counted in ClinVar's aggregate classification.

Dr. Peter K. Rogan Lab, Western University
No classification provided (evidence only). Condition: Nonpapillary renal cell carcinoma. Review status: no classification provided. Collection method: in vitro. Allele origin: not applicable. Functional consequence: retained intron. Not counted in ClinVar's aggregate classification.

Dr. Peter K. Rogan Lab, Western University
No classification provided (evidence only). Condition: Nonpapillary renal cell carcinoma. Review status: no classification provided. Collection method: in vitro. Allele origin: not applicable. Functional consequence: retained intron. Not counted in ClinVar's aggregate classification.

Dr. Peter K. Rogan Lab, Western University
No classification provided (evidence only). Condition: Cholangiocarcinoma. Review status: no classification provided. Collection method: in vitro. Allele origin: not applicable. Functional consequence: retained intron. Not counted in ClinVar's aggregate classification.

Dr. Peter K. Rogan Lab, Western University
No classification provided (evidence only). Condition: Adrenocortical carcinoma, hereditary. Review status: no classification provided. Collection method: in vitro. Allele origin: not applicable. Functional consequence: retained intron. Not counted in ClinVar's aggregate classification.

Dr. Peter K. Rogan Lab, Western University
No classification provided (evidence only). Condition: Adrenocortical carcinoma, hereditary. Review status: no classification provided. Collection method: in vitro. Allele origin: not applicable. Functional consequence: retained intron. Not counted in ClinVar's aggregate classification.

Dr. Peter K. Rogan Lab, Western University
No classification provided (evidence only). Condition: Adrenocortical carcinoma, hereditary. Review status: no classification provided. Collection method: in vitro. Allele origin: not applicable. Functional consequence: retained intron. Not counted in ClinVar's aggregate classification.

Dr. Peter K. Rogan Lab, Western University
No classification provided (evidence only). Condition: Adrenocortical carcinoma, hereditary. Review status: no classification provided. Collection method: in vitro. Allele origin: not applicable. Functional consequence: retained intron. Not counted in ClinVar's aggregate classification.

Dr. Peter K. Rogan Lab, Western University
No classification provided (evidence only). Condition: Uterine carcinosarcoma. Review status: no classification provided. Collection method: in vitro. Allele origin: not applicable. Functional consequence: retained intron. Not counted in ClinVar's aggregate classification.

Dr. Peter K. Rogan Lab, Western University
No classification provided (evidence only). Condition: Uterine carcinosarcoma. Review status: no classification provided. Collection method: in vitro. Allele origin: not applicable. Functional consequence: retained intron. Not counted in ClinVar's aggregate classification.

Dr. Peter K. Rogan Lab, Western University
No classification provided (evidence only). Condition: Uterine carcinosarcoma. Review status: no classification provided. Collection method: in vitro. Allele origin: not applicable. Functional consequence: retained intron. Not counted in ClinVar's aggregate classification.

Dr. Peter K. Rogan Lab, Western University
No classification provided (evidence only). Condition: Uterine carcinosarcoma. Review status: no classification provided. Collection method: in vitro. Allele origin: not applicable. Functional consequence: retained intron. Not counted in ClinVar's aggregate classification.

Dr. Peter K. Rogan Lab, Western University
No classification provided (evidence only). Condition: Nonpapillary renal cell carcinoma. Review status: no classification provided. Collection method: in vitro. Allele origin: not applicable. Functional consequence: retained intron. Not counted in ClinVar's aggregate classification.

Dr. Peter K. Rogan Lab, Western University
No classification provided (evidence only). Condition: Nonpapillary renal cell carcinoma. Review status: no classification provided. Collection method: in vitro. Allele origin: not applicable. Functional consequence: retained intron. Not counted in ClinVar's aggregate classification.

Dr. Peter K. Rogan Lab, Western University
No classification provided (evidence only). Condition: Nonpapillary renal cell carcinoma. Review status: no classification provided. Collection method: in vitro. Allele origin: not applicable. Functional consequence: retained intron. Not counted in ClinVar's aggregate classification.

Dr. Peter K. Rogan Lab, Western University
No classification provided (evidence only). Condition: Nonpapillary renal cell carcinoma. Review status: no classification provided. Collection method: in vitro. Allele origin: not applicable. Functional consequence: retained intron. Not counted in ClinVar's aggregate classification.

Dr. Peter K. Rogan Lab, Western University
No classification provided (evidence only). Condition: Nonpapillary renal cell carcinoma. Review status: no classification provided. Collection method: in vitro. Allele origin: not applicable. Functional consequence: retained intron. Not counted in ClinVar's aggregate classification.